The following is an entry in ClinVar:

NM_001165963.4(SCN1A):c.160G>C (p.Asp54His)

Gene: SCN1A (sodium voltage-gated channel alpha subunit 1; minus strand). Cytogenetic location: 2q24.3.
Variant type: single nucleotide variant.
Coding change: c.160G>C on transcript NM_001165963.4 (MANE Select); coding-DNA position 160, G replaced by C.
Protein change: p.Asp54His; replaces aspartic acid 54 with histidine.
Molecular consequence: missense variant. On other transcripts: 5 prime UTR variant (1), non-coding transcript variant (1).
Genome position (GRCh38, 1-based): chr2:166,073,462, C>G on the plus strand (G>C on the coding strand, the complement: SCN1A is on the minus strand). VCF-style: chr2-166073462-C-G. GRCh37 (hg19) VCF-style: chr2-166929972-C-G.
Other names: c.160G>C, p.Asp54His (NM_001353958.2, NM_001353960.2, NM_006920.6 and 10 more transcripts); c.-2266G>C (NM_001353961.2); short protein forms D54H.
Identifiers: ClinVar variation 3778438 (VCV003778438.7).

ClinVar aggregate classification (germline): Uncertain significance (1 of 4 stars; one submission).

Submission:

CeGaT Center for Human Genetics Tuebingen
Classification: Uncertain significance. Last evaluated: 2025-03-01. Review status: criteria provided, single submitter. Criteria: CeGaT Center For Human Genetics Tuebingen Variant Classification Criteria Version 2. Collection method: clinical testing. Allele origin: germline. Affected: yes. Observed: 1 variant allele.
Comment: SCN1A: PM2